The following is an entry in ClinVar:

NM_004612.4(TGFBR1):c.1056A>T (p.Leu352Phe)

Gene: TGFBR1 (transforming growth factor beta receptor 1; plus strand). Cytogenetic location: 9q22.33.
Variant type: single nucleotide variant.
Coding change: c.1056A>T on transcript NM_004612.4 (MANE Select); coding-DNA position 1056, A replaced by T.
Protein change: p.Leu352Phe; replaces leucine 352 with phenylalanine.
Molecular consequence: missense variant. On other transcripts: non-coding transcript variant (4).
Genome position (GRCh38, 1-based): chr9:99,144,814, A>T. VCF-style: chr9-99144814-A-T. GRCh37 (hg19) VCF-style: chr9-101907096-A-T.
Other names: c.825A>T, p.Leu275Phe (NM_001130916.3, NM_001407435.1); c.1068A>T, p.Leu356Phe (NM_001306210.2); c.900A>T, p.Leu300Phe (NM_001407416.1); c.888A>T, p.Leu296Phe (NM_001407417.1); c.861A>T, p.Leu287Phe (NM_001407418.1, NM_001407419.1, NM_001407420.1 and 1 more transcripts); c.849A>T, p.Leu283Phe (NM_001407423.1, NM_001407424.1, NM_001407425.1 and 8 more transcripts); c.810A>T, p.Leu270Phe (NM_001407436.1); c.348A>T, p.Leu116Phe (NM_001407437.1); and 1 more; short protein forms L116F, L193F, L270F, L275F, L283F, L287F, L296F, L300F.
Identifiers: ClinVar variation 3767277 (VCV003767277.1).

ClinVar aggregate classification (germline): Likely pathogenic (1 of 4 stars; one submission).

Conditions:
Abnormal palate morphology. Also called: Abnormality of the palate. Identifiers: MedGen C4021815, HP:0000174.
Proportionate tall stature. Identifiers: MedGen C4023371, HP:0011407.
Abnormal aortic morphology. Identifiers: MedGen C4025756, HP:0001679.
Pectus excavatum. Also called: funnel chest. Identifiers: MedGen C2051831, MONDO:0008213, OMIM 169300, HP:0000767.
Long fingers. Identifiers: MedGen C1858091, HP:0100807.

Submission:

Clinical Genetics Laboratory, Skane University Hospital Lund
Classification: Likely pathogenic for Long fingers; Proportionate tall stature; Abnormal palate morphology; Abnormal aortic morphology; Pectus excavatum. Last evaluated: 2025-03-10. Review status: criteria provided, single submitter. Criteria: ACMG Guidelines, 2015. Collection method: clinical testing. Allele origin: germline. Affected: yes.
Comment: ACMG criteria used: PS1, PM2